The following is an entry in ClinVar:

ClinVar aggregate classification (germline): Likely pathogenic. Review status: criteria provided, multiple submitters, no conflicts (2 of 4 stars). 3 submissions from 3 submitters: Likely pathogenic (3). Last evaluated 2025-12-04.

Conditions:
Multiple acyl-CoA dehydrogenase deficiency (MADD). Also called: ETHYLMALONIC-ADIPICACIDURIA; GA II; Glutaric aciduria, type 2; Glutaric acidemia type II; GA 2; Glutaric Acidemia type 2. Identifiers: Orphanet 26791, MedGen C0268596, MONDO:0009282, OMIM 231680.
Glutaric acidemia type 2A.

Allele frequency attached by ClinVar (database versions not stated): ExAC 0.00001; gnomAD 0.00001; gnomAD exomes 0.00001; TOPMed 0.00001.
gnomAD v4.1: 6 of 1,613,740 alleles (0.00037%); highest among the groups gnomAD compares: East Asian, 0.0089%; no homozygotes.

Submissions (3):

Natera, Inc.
Classification: Likely pathogenic for Glutaric acidemia type 2A. Last evaluated: 2025-12-04. Review status: criteria provided, single submitter. Criteria: Natera Variant Classification Schema (03/2026). Collection method: clinical testing. Allele origin: germline.
Comment: The c.365G>A variant in ETFA is a missense variant predicted to cause substitution of arginine to lysine at amino acid 122. This variant is rare in the general population with a frequency below the threshold expected for the associated phenotype(s). This variant has been observed in one or more individuals affected with the associated recessive disease, as either homozygous or compound heterozygous with a second variant (PMID: 37305019, 37656460, 16510302). This variant has been identified in one or more affected individual with a phenotype highly consistent with the associated gene (PMID: 37305019). Computational prediction algorithms indicate this variant is likely to affect gene or protein function. Given the available evidence, this variant is classified as Likely Pathogenic.

Baylor Genetics
Classification: Likely pathogenic for Multiple acyl-CoA dehydrogenase deficiency. Last evaluated: 2023-11-22. Review status: criteria provided, single submitter. Criteria: ACMG Guidelines, 2015. Collection method: clinical testing. Allele origin: unknown.

Juno Genomics, Hangzhou Juno Genomics, Inc
Classification: Likely pathogenic for Multiple acyl-CoA dehydrogenase deficiency. Review status: criteria provided, single submitter. Criteria: ACMG Guidelines, 2015. Collection method: clinical testing. Allele origin: germline.
Comment: Absent from controls (or at extremely low frequency if recessive) in Genome Aggregation Database.;Multiple lines of computational evidence support a deleterious effect on the gene or gene product.;Patient's phenotype or family history is highly specific for a disease with a single genetic etiology.;For recessive disorders, detected in trans with a pathogenic variant.

Literature cited by the submitters: PubMed 37305019 (cited by Natera, Inc.); PubMed 37656460 (cited by Natera, Inc.); PubMed 16510302 (cited by Natera, Inc.).

NM_000126.4(ETFA):c.365G>A (p.Arg122Lys)

Gene: ETFA (electron transfer flavoprotein subunit alpha; minus strand). Cytogenetic location: 15q24.2.
Variant type: single nucleotide variant.
Coding change: c.365G>A on transcript NM_000126.4 (MANE Select); coding-DNA position 365, G replaced by A.
Protein change: p.Arg122Lys; replaces arginine 122 with lysine.
Molecular consequence: missense variant.
Genome position (GRCh38, 1-based): chr15:76,287,932, C>T on the plus strand (G>A on the coding strand, the complement: ETFA is on the minus strand). VCF-style: chr15-76287932-C-T. GRCh37 (hg19) VCF-style: chr15-76580273-C-T.
Other names: c.365G>A (NM_000126.3); c.218G>A, p.Arg73Lys (NM_001127716.2); short protein forms R122K, R73K.
Identifiers: ClinVar variation 2675076 (VCV002675076.5), dbSNP rs773865838, ClinGen allele CA7673775.